The following is an entry in ClinVar:

NM_001029896.2(WDR45):c.236-18C>T

Gene: WDR45 (WD repeat domain 45; minus strand). Cytogenetic location: Xp11.23.
Variant type: single nucleotide variant.
Coding change: c.236-18C>T on transcript NM_001029896.2 (MANE Select); 18 bases into the intron before coding-DNA position 236, C replaced by T.
Molecular consequence: intron variant.
Genome position (GRCh38, 1-based): chrX:49,076,768, G>A on the plus strand (C>T on the coding strand, the complement: WDR45 is on the minus strand). VCF-style: chrX-49076768-G-A. GRCh37 (hg19) VCF-style: chrX-48934427-G-A.
Other names: c.236-15C>T (NM_007075.4).
Identifiers: ClinVar variation 682585 (VCV000682585.10), dbSNP rs782473996, ClinGen allele CA10408580.

ClinVar aggregate classification (germline): Benign/Likely benign. Review status: criteria provided, multiple submitters, no conflicts (2 of 4 stars). 3 submissions from 3 submitters: Benign (1); Likely benign (2). Last evaluated 2025-04-21.

Conditions:
Neurodegeneration with brain iron accumulation 5 (NBIA5). Also called: Beta-propeller protein-associated neurodegeneration; STATIC ENCEPHALOPATHY OF CHILDHOOD WITH NEURODEGENERATION IN ADULTHOOD. Identifiers: Orphanet 329284, MedGen C3550973, MONDO:0010476, OMIM 300894.

Allele frequency attached by ClinVar (database versions not stated): TOPMed below 0.00001; gnomAD exomes 0.00001 and 0.00003; ExAC 0.00003.
gnomAD v4.1: 12 of 1,171,664 alleles (0.001%); highest among the groups gnomAD compares: Admixed American, 0.012%; no homozygotes.

Submissions (3):

Women's Health and Genetics/Laboratory Corporation of America, LabCorp
Classification: Likely benign. Last evaluated: 2025-04-21. Review status: criteria provided, single submitter. Criteria: LabCorp Variant Classification Summary - May 2015. Collection method: clinical testing. Allele origin: germline.

Labcorp Genetics (formerly Invitae), Labcorp
Classification: Benign for Neurodegeneration with brain iron accumulation 5. Last evaluated: 2024-10-16. Review status: criteria provided, single submitter. Criteria: Invitae Variant Classification Sherloc (09022015). Collection method: clinical testing. Allele origin: germline.

GeneDx
Classification: Likely benign. Last evaluated: 2018-05-02. Review status: criteria provided, single submitter. Criteria: GeneDx Variant Classification (06012015). Collection method: clinical testing. Allele origin: germline. Affected: yes.
Comment: This variant is considered likely benign or benign based on one or more of the following criteria: it is a conservative change, it occurs at a poorly conserved position in the protein, it is predicted to be benign by multiple in silico algorithms, and/or has population frequency not consistent with disease.